The following is an entry in ClinVar:

NM_006059.4(LAMC3):c.810-65G>A

Gene: LAMC3 (laminin subunit gamma 3; plus strand). Cytogenetic location: 9q34.12.
Variant type: single nucleotide variant.
Coding change: c.810-65G>A on transcript NM_006059.4 (MANE Select); 65 bases into the intron before coding-DNA position 810, G replaced by A.
Molecular consequence: intron variant.
Genome position (GRCh38, 1-based): chr9:131,036,101, G>A. VCF-style: chr9-131036101-G-A. GRCh37 (hg19) VCF-style: chr9-133911488-G-A.
Identifiers: ClinVar variation 675685 (VCV000675685.2), dbSNP rs13283119, ClinGen allele CA12973131.

ClinVar aggregate classification (germline): Likely benign. Review status: criteria provided, multiple submitters, no conflicts (2 of 4 stars). 2 submissions from 2 submitters: Likely benign (2). Last evaluated 2018-06-19.

Allele frequency attached by ClinVar (database versions not stated): 1000 Genomes Project 0.01018; 1000 Genomes Project 30x 0.01046; TOPMed 0.02116; gnomAD 0.02220 and 0.02283.
gnomAD v4.1: 49,828 of 1,563,368 alleles (3.2%); highest among the groups gnomAD compares: Non-Finnish European, 3.9%; 976 homozygotes.

Submissions (2):

GeneDx
Classification: Likely benign. Last evaluated: 2018-06-19. Review status: criteria provided, single submitter. Criteria: GeneDx Variant Classification (06012015). Collection method: clinical testing. Allele origin: germline. Affected: yes.
Comment: This variant is considered likely benign or benign based on one or more of the following criteria: it is a conservative change, it occurs at a poorly conserved position in the protein, it is predicted to be benign by multiple in silico algorithms, and/or has population frequency not consistent with disease.

Breakthrough Genomics
Classification: Likely benign. Review status: criteria provided, single submitter. Criteria: ACMG Guidelines, 2015. Collection method: not provided. Allele origin: germline. Inheritance: Autosomal recessive inheritance. Affected: yes.